The following is an entry in ClinVar:

NM_004667.6(HERC2):c.8920G>A (p.Gly2974Arg)

Gene: HERC2 (HECT and RLD domain containing E3 ubiquitin protein ligase 2; minus strand). Cytogenetic location: 15q13.1.
Variant type: single nucleotide variant.
Coding change: c.8920G>A on transcript NM_004667.6 (MANE Select); coding-DNA position 8920, G replaced by A.
Protein change: p.Gly2974Arg; replaces glycine 2974 with arginine.
Molecular consequence: missense variant.
Genome position (GRCh38, 1-based): chr15:28,182,418, C>T on the plus strand (G>A on the coding strand, the complement: HERC2 is on the minus strand). VCF-style: chr15-28182418-C-T. GRCh37 (hg19) VCF-style: chr15-28427564-C-T.
Other names: short protein forms G2974R.
Identifiers: ClinVar variation 4688588 (VCV004688588.1).

ClinVar aggregate classification (germline): Uncertain significance (1 of 4 stars; one submission).

gnomAD v4.1: 7 of 1,613,468 alleles (0.00043%); highest among the groups gnomAD compares: African/African-American, 0.0013%; no homozygotes.

Submission:

Women's Health and Genetics/Laboratory Corporation of America, LabCorp
Classification: Uncertain significance. Last evaluated: 2025-12-04. Review status: criteria provided, single submitter. Criteria: LabCorp Variant Classification Summary - May 2015. Collection method: clinical testing. Allele origin: germline.
Comment: Variant summary: HERC2 c.8920G>A (p.Gly2974Arg) results in a non-conservative amino acid change in the encoded protein sequence. Algorithms developed to predict the effect of missense changes on protein structure and function all suggest that this variant is likely to be disruptive. The variant allele was found at a frequency of 4e-06 in 251366 control chromosomes. The available data on variant occurrences in the general population are insufficient to allow any conclusion about variant significance. To our knowledge, no occurrence of c.8920G>A in individuals affected with HERC2-related conditions and no experimental evidence demonstrating its impact on protein function have been reported. No submitters have cited clinical-significance assessments for this variant to ClinVar. Based on the evidence outlined above, the variant was classified as uncertain significance.